The following is an entry in ClinVar:

ClinVar aggregate classification (germline): Uncertain significance (1 of 4 stars; one submission).

Conditions:
Hereditary cancer-predisposing syndrome. Also called: Neoplastic Syndromes, Hereditary; Tumor predisposition; Hereditary neoplastic syndrome; Hereditary Cancer Syndrome. Identifiers: Orphanet 140162, MedGen C0027672, MeSH D009386, MONDO:0015356.

Submission:

Ambry Genetics
Classification: Uncertain significance for Hereditary cancer-predisposing syndrome. Last evaluated: 2023-01-19. Review status: criteria provided, single submitter. Criteria: Ambry Variant Classification Scheme 2023. Collection method: clinical testing. Allele origin: germline.
Comment: The p.Q487L variant (also known as c.1460A>T), located in coding exon 12 of the CHEK2 gene, results from an A to T substitution at nucleotide position 1460. The glutamine at codon 487 is replaced by leucine, an amino acid with dissimilar properties. This amino acid position is highly conserved in available vertebrate species. In addition, this alteration is predicted to be tolerated by in silico analysis. Since supporting evidence is limited at this time, the clinical significance of this alteration remains unclear.

NM_007194.4(CHEK2):c.1460A>T (p.Gln487Leu)

Gene: CHEK2 (checkpoint kinase 2; minus strand). Cytogenetic location: 22q12.1.
Variant type: single nucleotide variant.
Coding change: c.1460A>T on transcript NM_007194.4 (MANE Select); coding-DNA position 1460, A replaced by T.
Protein change: p.Gln487Leu; replaces glutamine 487 with leucine.
Molecular consequence: missense variant.
Genome position (GRCh38, 1-based): chr22:28,694,033, T>A on the plus strand (A>T on the coding strand, the complement: CHEK2 is on the minus strand). VCF-style: chr22-28694033-T-A. GRCh37 (hg19) VCF-style: chr22-29090021-T-A.
Other names: c.1589A>T, p.Gln530Leu (NM_001005735.3); c.797A>T, p.Gln266Leu (NM_001257387.3); c.1259A>T, p.Gln420Leu (NM_001349956.3); c.1373A>T, p.Gln458Leu (NM_145862.3); short protein forms Q458L, Q266L, Q420L, Q487L, Q530L.
Identifiers: ClinVar variation 2452076 (VCV002452076.2), dbSNP rs1601715793, ClinGen allele CA411093880.
Genomic context (GRCh38, chr22:28,694,033, plus strand): 5'-CTCTCAGGCAGCAGGGCTTCCCATGTATTTTATGCTAGCAGGCACTGTCCCACACCCACC[T>A]GAAGCCACGGGTGTCTTAAGGCTTCTTCTGTCGTAAAACGTGCCTTTGGATCCACTACCA-3'
Protein context (NP_009125.1, residues 477-497): TEEALRHPWL[Gln487Leu]DEDMKRKFQD